The following is an entry in ClinVar:

ClinVar aggregate classification (germline): Uncertain significance (1 of 4 stars; one submission).

Allele frequency attached by ClinVar (database versions not stated): TOPMed below 0.00001; gnomAD 0.00001.

Submission:

Labcorp Genetics (formerly Invitae), Labcorp
Classification: Uncertain significance. Last evaluated: 2022-08-09. Review status: criteria provided, single submitter. Criteria: Invitae Variant Classification Sherloc (09022015). Collection method: clinical testing. Allele origin: germline.
Comment: This sequence change falls in intron 3 of the CPLX1 gene. It does not directly change the encoded amino acid sequence of the CPLX1 protein. It affects a nucleotide within the consensus splice site. In summary, the available evidence is currently insufficient to determine the role of this variant in disease. Therefore, it has been classified as a Variant of Uncertain Significance. Variants that disrupt the consensus splice site are a relatively common cause of aberrant splicing (PMID: 17576681, 9536098). Algorithms developed to predict the effect of sequence changes on RNA splicing suggest that this variant is not likely to affect RNA splicing. This variant has not been reported in the literature in individuals affected with CPLX1-related conditions. This variant is present in population databases (no rsID available, gnomAD 0.009%).

Literature cited by the submitters: PubMed 17576681; PubMed 9536098.

NM_006651.4(CPLX1):c.208-3C>T

Gene: CPLX1 (complexin 1; minus strand). Cytogenetic location: 4p16.3.
Variant type: single nucleotide variant.
Coding change: c.208-3C>T on transcript NM_006651.4 (MANE Select); 3 bases into the intron before coding-DNA position 208, C replaced by T.
Molecular consequence: intron variant.
Genome position (GRCh38, 1-based): chr4:786,701, G>A on the plus strand (C>T on the coding strand, the complement: CPLX1 is on the minus strand). VCF-style: chr4-786701-G-A. GRCh37 (hg19) VCF-style: chr4-780489-G-A.
Identifiers: ClinVar variation 2202060 (VCV002202060.4), dbSNP rs1299915564, ClinGen allele CA549264049.